The following is an entry in ClinVar:

NM_016169.4(SUFU):c.104A>G (p.His35Arg)

Genes: SUFU (SUFU negative regulator of hedgehog signaling; plus strand), LOC130004614 (ATAC-STARR-seq lymphoblastoid silent region 2764; plus strand). Cytogenetic location: 10q24.32.
Variant type: single nucleotide variant.
Coding change: c.104A>G on transcript NM_016169.4 (MANE Select); coding-DNA position 104, A replaced by G.
Protein change: p.His35Arg; replaces histidine 35 with arginine.
Molecular consequence: missense variant.
Genome position (GRCh38, 1-based): chr10:102,504,256, A>G. VCF-style: chr10-102504256-A-G. GRCh37 (hg19) VCF-style: chr10-104264013-A-G.
Other names: c.104A>G, p.His35Arg (NM_001178133.2); c.104A>G (NM_016169.3); short protein forms H35R.
Identifiers: ClinVar variation 1011728 (VCV001011728.10), dbSNP rs2062292023, ClinGen allele CA377886478.
Genomic context (GRCh38, chr10:102,504,256, plus strand): 5'-CCCCGGCCCCTGGCCCGACTGCCCCCCCGGCCTTCGCTTCGCTCTTTCCCCCGGGACTGC[A>G]CGCCATCTACGGAGAGTGCCGCCGCCTTTACCCTGACCAGCCGAACCCGCTCCAGGTTAC-3'
Protein context (NP_057253.2, residues 25-45): AFASLFPPGL[His35Arg]AIYGECRRLY

ClinVar aggregate classification (germline): Uncertain significance. Review status: criteria provided, multiple submitters, no conflicts (2 of 4 stars). 2 submissions from 2 submitters: Uncertain significance (2). Last evaluated 2026-02-11.

Conditions:
Gorlin syndrome. Also called: Basal cell nevus syndrome; Nevoid Basal Cell Carcinoma Syndrome. Identifiers: Orphanet 377, MedGen C0004779, MONDO:0007187.
Medulloblastoma (MDB). Also called: MEDULLOBLASTOMA PREDISPOSITION SYNDROME; Medulloblastoma, somatic. Identifiers: Orphanet 616, MedGen C0025149, MeSH D008527, MONDO:0007959, OMIM 155255, HP:0002885.
Hereditary cancer-predisposing syndrome. Also called: Hereditary Cancer Syndrome; Neoplastic Syndromes, Hereditary; Tumor predisposition; Hereditary neoplastic syndrome. Identifiers: Orphanet 140162, MedGen C0027672, MeSH D009386, MONDO:0015356.

Allele frequency attached by ClinVar (database versions not stated): gnomAD exomes below 0.00001.
gnomAD v4.1: 1 of 1,606,718 alleles (0.000062%); highest among the groups gnomAD compares: African/African-American, 0.0014%; no homozygotes.

Submissions (2):

Ambry Genetics
Classification: Uncertain significance for Hereditary cancer-predisposing syndrome. Last evaluated: 2026-02-11. Review status: criteria provided, single submitter. Criteria: Ambry Variant Classification Scheme 2023. Collection method: clinical testing. Allele origin: germline.
Comment: The p.H35R variant (also known as c.104A>G), located in coding exon 1 of the SUFU gene, results from an A to G substitution at nucleotide position 104. The histidine at codon 35 is replaced by arginine, an amino acid with highly similar properties. This amino acid position is highly conserved in available vertebrate species. In addition, the in silico prediction for this alteration is inconclusive. Based on the available evidence, the clinical significance of this variant remains unclear.

Labcorp Genetics (formerly Invitae), Labcorp
Classification: Uncertain significance for Gorlin syndrome; Medulloblastoma. Last evaluated: 2025-06-08. Review status: criteria provided, single submitter. Criteria: Invitae Variant Classification Sherloc (09022015). Collection method: clinical testing. Allele origin: germline.
Comment: This sequence change replaces histidine, which is basic and polar, with arginine, which is basic and polar, at codon 35 of the SUFU protein (p.His35Arg). This variant is not present in population databases (gnomAD no frequency). This variant has not been reported in the literature in individuals affected with SUFU-related conditions. ClinVar contains an entry for this variant (Variation ID: 1011728). Invitae Evidence Modeling of protein sequence and biophysical properties (such as structural, functional, and spatial information, amino acid conservation, physicochemical variation, residue mobility, and thermodynamic stability) indicates that this missense variant is not expected to disrupt SUFU protein function with a negative predictive value of 80%. In summary, the available evidence is currently insufficient to determine the role of this variant in disease. Therefore, it has been classified as a Variant of Uncertain Significance.